The following is an entry in ClinVar:

ClinVar aggregate classification (germline): Likely pathogenic (1 of 4 stars; one submission).

Conditions:
CHD7-related disorder. Also called: CHD7-related condition.

Submission:

Illumina Laboratory Services, Illumina
Classification: Likely pathogenic for CHD7-related disorders. Last evaluated: 2019-02-11. Review status: criteria provided, single submitter. Criteria: ICSLVariantClassificationCriteria RUGD 01 April 2020. Collection method: clinical testing. Allele origin: unknown.
Comment: The CHD7 c.3547A>C (p.Lys1183Gln) variant is a missense variant. A literature search was performed for the gene, cDNA change, and amino acid change. No publications were found based on this search. This variant is not found in the Genome Aggregation Database in a region of good sequence coverage so the variant is presumed to be rare. Based on the variant's identification in a de novo state and its rarity, the p.Lys1183Gln variant is classified as a likely pathogenic for CHD7-related disorders.

NM_017780.4(CHD7):c.3547A>C (p.Lys1183Gln)

Gene: CHD7 (chromodomain helicase DNA binding protein 7; plus strand). Cytogenetic location: 8q12.2.
Variant type: single nucleotide variant.
Coding change: c.3547A>C on transcript NM_017780.4 (MANE Select); coding-DNA position 3547, A replaced by C.
Protein change: p.Lys1183Gln; replaces lysine 1183 with glutamine.
Molecular consequence: missense variant. On other transcripts: intron variant (1).
Genome position (GRCh38, 1-based): chr8:60,830,346, A>C. VCF-style: chr8-60830346-A-C. GRCh37 (hg19) VCF-style: chr8-61742905-A-C.
Other names: c.1717-31883A>C (NM_001316690.1); short protein forms K1183Q.
Identifiers: ClinVar variation 989378 (VCV000989378.4), dbSNP rs1804452117, ClinGen allele CA371314924.